The following is an entry in ClinVar:

ClinVar aggregate classification (germline): Pathogenic (1 of 4 stars; one submission).

Conditions:
Primary ciliary dyskinesia 3. Identifiers: Orphanet 244, MedGen C1837618, MONDO:0012085, OMIM 608644.

Submission:

Myriad Genetics, Inc.
Classification: Pathogenic for Primary ciliary dyskinesia 3. Last evaluated: 2024-05-14. Review status: criteria provided, single submitter. Criteria: Myriad Autosomal Dominant, Autosomal Recessive and X-Linked Classification Criteria (2023). Collection method: clinical testing. Allele origin: unknown.
Comment: NM_001369.2(DNAH5):c.6257del1ins11(G2086Vfs*13) is expected to be pathogenic in the context of primary ciliary dyskinesia, DNAH5-related. This variant is predicted to lead to an abnormal or absent protein product due to the creation of a premature termination codon in DNAH5, a gene where loss-of-function variants are known to be pathogenic. Please note: this variant was assessed in the context of healthy population screening.

NM_001369.3(DNAH5):c.6257delinsTCTCTTATACA (p.Gly2086fs)

Gene: DNAH5 (dynein axonemal heavy chain 5; minus strand). Cytogenetic location: 5p15.2.
Variant type: Indel.
Coding change: c.6257delinsTCTCTTATACA on transcript NM_001369.3 (MANE Select); coding-DNA position 6257, G replaced by TCTCTTATACA.
Protein change: p.Gly2086fs; shifts the reading frame from glycine 2086.
Molecular consequence: frameshift variant.
Genome position (GRCh38, 1-based): chr5:13,829,697, C replaced by TGTATAAGAGA on the plus strand (G replaced by TCTCTTATACA on the coding strand, the reverse complement: DNAH5 is on the minus strand). VCF-style: chr5-13829697-C-TGTATAAGAGA. GRCh37 (hg19) VCF-style: chr5-13829806-C-TGTATAAGAGA.
Other names: short protein forms G2086fs.
Identifiers: ClinVar variation 5011205 (VCV005011205.1).